The following is an entry in ClinVar:

NM_000330.4(RS1):c.327-2A>G

Genes: CDKL5 (cyclin dependent kinase like 5; plus strand), RS1 (retinoschisin 1; minus strand). Cytogenetic location: Xp22.13.
Variant type: single nucleotide variant.
Coding change: c.327-2A>G on transcript NM_000330.4 (MANE Select); the canonical splice acceptor site of the intron before coding-DNA position 327, A replaced by G.
Molecular consequence: splice acceptor variant. On other transcripts: intron variant (2).
Genome position (GRCh38, 1-based): chrX:18,644,627, T>C on the plus strand (A>G on the coding strand, the complement: RS1 is on the minus strand). VCF-style: chrX-18644627-T-C. GRCh37 (hg19) VCF-style: chrX-18662747-T-C.
Other names: c.2714-1380T>C (NM_003159.3, NM_001037343.2).
Identifiers: ClinVar variation 1066892 (VCV001066892.9), dbSNP rs2147191432, ClinGen allele CA412372366.

ClinVar aggregate classification (germline): Pathogenic (1 of 4 stars; one submission).

Submission:

Labcorp Genetics (formerly Invitae), Labcorp
Classification: Pathogenic. Last evaluated: 2025-08-21. Review status: criteria provided, single submitter. Criteria: Invitae Variant Classification Sherloc (09022015). Collection method: clinical testing. Allele origin: germline.
Comment: This sequence change affects an acceptor splice site in intron 4 of the RS1 gene. It is expected to disrupt RNA splicing. Variants that disrupt the donor or acceptor splice site typically lead to a loss of protein function (PMID: 16199547), and loss-of-function variants in RS1 are known to be pathogenic (PMID: 9618178, 17172462). This variant is not present in population databases (gnomAD no frequency). Disruption of this splice site has been observed in individual(s) with retinoschisis (PMID: 32300273; internal data). ClinVar contains an entry for this variant (Variation ID: 1066892). Algorithms developed to predict the effect of sequence changes on RNA splicing suggest that this variant may disrupt the consensus splice site. For these reasons, this variant has been classified as Pathogenic.

Literature cited by the submitters: PubMed 16199547; PubMed 9618178; PubMed 17172462; PubMed 32300273.